The following is an entry in ClinVar:

NM_057093.2(CRYBA2):c.44C>G (p.Thr15Arg)

Gene: CRYBA2 (crystallin beta A2; minus strand). Cytogenetic location: 2q35.
Variant type: single nucleotide variant.
Coding change: c.44C>G on transcript NM_057093.2 (MANE Select); coding-DNA position 44, C replaced by G.
Protein change: p.Thr15Arg; replaces threonine 15 with arginine.
Molecular consequence: missense variant.
Genome position (GRCh38, 1-based): chr2:218,993,133, G>C on the plus strand (C>G on the coding strand, the complement: CRYBA2 is on the minus strand). VCF-style: chr2-218993133-G-C. GRCh37 (hg19) VCF-style: chr2-219857855-G-C.
Other names: c.44C>G, p.Thr15Arg (NM_057094.2); short protein forms T15R.
Identifiers: ClinVar variation 5001851 (VCV005001851.1).

ClinVar aggregate classification (germline): Uncertain significance (1 of 4 stars; one submission).

Conditions:
CRYBA2-related disorder. Also called: CRYBA2-related condition.

Submission:

PreventionGenetics, part of Exact Sciences
Classification: Uncertain significance for CRYBA2-related condition. Last evaluated: 2024-10-27. Review status: criteria provided, single submitter. Criteria: ACMG Guidelines, 2015. Collection method: clinical testing. Allele origin: germline.
Comment: The CRYBA2 c.44C>G variant is predicted to result in the amino acid substitution p.Thr15Arg. To our knowledge, this variant has not been reported in the literature or in a large population database (gnomAD), indicating this variant is rare. At this time, the clinical significance of this variant is uncertain due to the absence of conclusive functional and genetic evidence.